The following is an entry in ClinVar:

NM_001849.4(COL6A2):c.1671+1G>T

Gene: COL6A2 (collagen type VI alpha 2 chain; plus strand). Cytogenetic location: 21q22.3.
Variant type: single nucleotide variant.
Coding change: c.1671+1G>T on transcript NM_001849.4 (MANE Select); the canonical splice donor site of the intron after coding-DNA position 1671, G replaced by T.
Molecular consequence: splice donor variant.
Genome position (GRCh38, 1-based): chr21:46,122,938, G>T. VCF-style: chr21-46122938-G-T. GRCh37 (hg19) VCF-style: chr21-47542852-G-T.
Other names: c.1671+1G>T (NM_058175.3, NM_058174.3).
Identifiers: ClinVar variation 1993454 (VCV001993454.4), dbSNP rs1167687731, ClinGen allele CA410534930.
Genomic context (GRCh38, chr21:46,122,938, plus strand): 5'-GGCCGAGGCGACTTTGGCTTGAAAGGAGAACCTGGGAGGAAAGGAGAGAAAGGAGAGCCT[G>T]TGAGTGTCACCGTCCCGAAGCCCACAGCAGCTGGGCAGAGGCAGGGAGGGGCCCTGAGGC-3'

ClinVar aggregate classification (germline): Likely pathogenic (1 of 4 stars; one submission).

Conditions:
Bethlem myopathy 1A. Also called: MYOPATHY, BENIGN CONGENITAL, WITH CONTRACTURES; Bethlem myopathy 1; Bethlem Muscular Dystrophy. Identifiers: Orphanet 610, MedGen CN029274, MONDO:0024530, OMIM 158810.

Submission:

Labcorp Genetics (formerly Invitae), Labcorp
Classification: Likely pathogenic for Bethlem myopathy 1A. Last evaluated: 2022-05-12. Review status: criteria provided, single submitter. Criteria: Invitae Variant Classification Sherloc (09022015). Collection method: clinical testing. Allele origin: germline.
Comment: This sequence change affects a donor splice site in intron 21 of the COL6A2 gene. It is expected to disrupt RNA splicing. Variants that disrupt the donor or acceptor splice site typically lead to a loss of protein function (PMID: 16199547), and loss-of-function variants in COL6A2 are known to be disease-causing for autosomal recessive COL6A2 conditions (PMID: 21280092, 20976770). However, certain variants affecting donor or acceptor splice sites in the triple helical domain of COL6A2 are expected to result in in-frame exon skipping and have been reported to cause autosomal dominant COL6A2-related conditions (PMID: 18366090). Algorithms developed to predict the effect of sequence changes on RNA splicing suggest that this variant may disrupt the consensus splice site. This variant is not present in population databases (gnomAD no frequency). This variant has not been reported in the literature in individuals affected with COL6A2-related conditions. In summary, the currently available evidence indicates that the variant is pathogenic, but additional data are needed to prove that conclusively. Therefore, this variant has been classified as Likely Pathogenic.

Literature cited by the submitters: PubMed 16199547; PubMed 21280092; PubMed 20976770; PubMed 18366090.